The following is an entry in ClinVar:

ClinVar aggregate classification (germline): Pathogenic. Review status: criteria provided, multiple submitters, no conflicts (2 of 4 stars). 8 submissions from 8 submitters: Pathogenic (7). 1 of the submissions does not count toward it. Last evaluated 2026-08-24.

Conditions:
BBS10-related disorder. Also called: BBS10-related condition.
Retinal dystrophy. Also called: Inherited retinal dystrophy. Identifiers: Orphanet 71862, MedGen C0854723, MeSH D058499, MONDO:0019118, HP:0000556.
Bardet-Biedl syndrome (BBS). Identifiers: Orphanet 110, MedGen C0752166, MONDO:0015229.
Bardet-Biedl syndrome 10 (BBS10). Identifiers: Orphanet 110, MedGen C1859568, MONDO:0014438, OMIM 615987.

Allele frequency attached by ClinVar (database versions not stated): gnomAD exomes below 0.00001; TOPMed 0.00001; gnomAD 0.00002.

Submissions (8):

PreventionGenetics, part of Exact Sciences
Classification: Pathogenic for BBS10-related condition. Last evaluated: 2026-08-24. Review status: criteria provided, single submitter. Criteria: ACMG Guidelines, 2015. Collection method: clinical testing. Allele origin: germline.
Comment: The BBS10 c.1677delC variant is predicted to result in premature protein termination (p.Tyr559*). This variant has been reported to be causative for Bardet-Biedl syndrome (Stoetzel et al. 2006. PubMed ID: 16582908, Table S1, reported as Y559fsX576; Cortinhal et al. 2024. PubMed ID: 38189974). This variant is reported in 0.0029% of alleles in individuals of Latino descent in gnomAD. Nonsense variants in BBS10 are expected to be pathogenic. This variant is interpreted as pathogenic.

Natera, Inc.
Classification: Pathogenic for Bardet-Biedl syndrome type 10. Last evaluated: 2024-06-18. Review status: criteria provided, single submitter. Criteria: Natera Variant Classification Schema (03/2026). Collection method: clinical testing. Allele origin: germline.
Comment: The c.1677delC variant in BBS10 is a frameshift variant predicted to shift the reading frame and introduce a stop codon. This variant is expected to result in nonsense mediated decay, truncation, or a dysfunctional protein product. This variant is rare in the general population with a frequency below the threshold expected for the associated phenotype(s). This variant has been observed in one or more individuals affected with the associated recessive disease, as either homozygous or compound heterozygous with a second variant (PMID: 22410627, 31196119). Given the available evidence, this variant is classified as Pathogenic.

Labcorp Genetics (formerly Invitae), Labcorp
Classification: Pathogenic for Bardet-Biedl syndrome. Last evaluated: 2024-05-05. Review status: criteria provided, single submitter. Criteria: Invitae Variant Classification Sherloc (09022015). Collection method: clinical testing. Allele origin: germline.
Comment: This sequence change creates a premature translational stop signal (p.Tyr559*) in the BBS10 gene. While this is not anticipated to result in nonsense mediated decay, it is expected to disrupt the last 165 amino acid(s) of the BBS10 protein. This variant is present in population databases (no rsID available, gnomAD 0.003%). This premature translational stop signal has been observed in individual(s) with clinical features of Bardet-Biedl syndrome (PMID: 16582908, 20472660, 27788217, 28808579). ClinVar contains an entry for this variant (Variation ID: 496471). This variant disrupts a region of the BBS10 protein in which other variant(s) (p.Val707*) have been determined to be pathogenic (PMID: 20472660, 22773737, 25982971, 27486776). This suggests that this is a clinically significant region of the protein, and that variants that disrupt it are likely to be disease-causing. For these reasons, this variant has been classified as Pathogenic.

Fulgent Genetics
Classification: Pathogenic for Bardet-Biedl syndrome 10. Last evaluated: 2024-04-02. Review status: criteria provided, single submitter. Criteria: ACMG Guidelines, 2015. Collection method: clinical testing. Allele origin: germline.

Women's Health and Genetics/Laboratory Corporation of America, LabCorp
Classification: Pathogenic for Bardet-Biedl syndrome. Last evaluated: 2023-02-24. Review status: criteria provided, single submitter. Criteria: LabCorp Variant Classification Summary - May 2015. Collection method: clinical testing. Allele origin: germline.
Comment: Variant summary: BBS10 c.1677delC (p.Tyr559X) results in a premature termination codon, predicted to cause a truncation of the encoded protein or absence of the protein due to nonsense mediated decay, which are commonly known mechanisms for disease. Truncations downstream of this position have been classified as pathogenic in HGMD, ClinVar or our laboratory. The variant allele was found at a frequency of 4e-06 in 251022 control chromosomes. c.1677delC has been reported in the literature in individuals affected with Bardet-Biedl Syndrome. These data indicate that the variant may be associated with disease. Two clinical diagnostic laboratories have submitted clinical-significance assessments for this variant to ClinVar after 2014 without evidence for independent evaluation. Both laboratories classified the variant as pathogenic/likely pathogenic. Based on the evidence outlined above, the variant was classified as pathogenic.

MAGI'S LAB - Medical Genetics Laboratory, MAGI GROUP
Classification: Pathogenic for Bardet-Biedl syndrome. Last evaluated: 2018-10-01. Review status: criteria provided, single submitter. Criteria: ACMG Guidelines, 2015. Collection method: clinical testing. Allele origin: germline. Affected: yes.

Institute of Human Genetics, Univ. Regensburg, Univ. Regensburg
Classification: Pathogenic for Retinal dystrophy. Last evaluated: 2008-01-01. Review status: criteria provided, single submitter. Criteria: ACMG Guidelines, 2015. Collection method: clinical testing. Allele origin: germline. Affected: yes.

Counsyl
Classification: Likely pathogenic for Bardet-Biedl syndrome 10. Last evaluated: 2015-05-04. Review status: no assertion criteria provided. Collection method: clinical testing. Allele origin: unknown. Not counted in ClinVar's aggregate classification.

Literature cited by the submitters: PubMed 22410627 (cited by Natera, Inc.); PubMed 31196119 (cited by Natera, Inc.); PubMed 16582908 (cited by 3 submitters); PubMed 20472660 (cited by Labcorp Genetics (formerly Invitae), Labcorp and Women's Health and Genetics/Laboratory Corporation of America, LabCorp); PubMed 27788217 (cited by Labcorp Genetics (formerly Invitae), Labcorp); PubMed 28808579 (cited by Labcorp Genetics (formerly Invitae), Labcorp); PubMed 22773737 (cited by Labcorp Genetics (formerly Invitae), Labcorp); PubMed 25982971 (cited by Labcorp Genetics (formerly Invitae), Labcorp); PubMed 27486776 (cited by Labcorp Genetics (formerly Invitae), Labcorp); PubMed 21052717 (cited by Women's Health and Genetics/Laboratory Corporation of America, LabCorp and Counsyl); PubMed 25366773 (cited by Women's Health and Genetics/Laboratory Corporation of America, LabCorp); PubMed 20805367 (cited by MAGI'S LAB - Medical Genetics Laboratory, MAGI GROUP); PubMed 31589614 (cited by Institute of Human Genetics, Univ. Regensburg, Univ. Regensburg); PubMed 31964843 (cited by Institute of Human Genetics, Univ. Regensburg, Univ. Regensburg).

NM_024685.4(BBS10):c.1677del (p.Ser558_Tyr559insTer)

Gene: BBS10 (Bardet-Biedl syndrome 10; minus strand). Cytogenetic location: 12q21.2.
Variant type: Deletion.
Coding change: c.1677del on transcript NM_024685.4 (MANE Select); coding-DNA position 1677, one base deleted (C; older notation c.1677delC).
Protein change: p.Ser558_Tyr559insTer.
Molecular consequence: nonsense.
Genome position (GRCh38, 1-based): chr12:76,346,308, G deleted on the plus strand (C on the coding strand, the reverse complement: BBS10 is on the minus strand). VCF-style (leftmost placement, unchanged base first): chr12-76346307-CG-C. GRCh37 (hg19) VCF-style: chr12-76740087-CG-C.
Other names: c.1677del, p.Ser558_Tyr559insTer (LRG_1255t1).
Identifiers: ClinVar variation 496471 (VCV000496471.18), dbSNP rs1555202584, ClinGen allele CA606185890.
Genomic context (GRCh38, chr12:76,346,307, plus strand): 5'-ACTTACAGCTCACTGGTAACATGCTTCCCTTTCTAGTAATATTTGTGACCTGTAAATTTT[CG>C]TAAGAAATTTCTATTCTATTTCCCCTTGTTGAATAAGCAGTGGAATTGTTCTTGAGTAAT-3'